The following is an entry in ClinVar:

NM_001378615.1(CC2D2A):c.1895A>G (p.Gln632Arg)

Genes: CC2D2A (coiled-coil and C2 domain containing 2A; plus strand), FBXL5 (F-box and leucine rich repeat protein 5; minus strand). Cytogenetic location: 4p15.32.
Variant type: single nucleotide variant.
Coding change: c.1895A>G on transcript NM_001378615.1 (MANE Select); coding-DNA position 1895, A replaced by G.
Protein change: p.Gln632Arg; replaces glutamine 632 with arginine.
Molecular consequence: missense variant.
Genome position (GRCh38, 1-based): chr4:15,538,029, A>G. VCF-style: chr4-15538029-A-G. GRCh37 (hg19) VCF-style: chr4-15539652-A-G.
Other names: c.1895A>G, p.Gln632Arg (NM_001080522.2); c.1748A>G, p.Gln583Arg (NM_001378617.1); short protein forms Q583R, Q632R.
Identifiers: ClinVar variation 1007255 (VCV001007255.6), dbSNP rs777510836, ClinGen allele CA92531579.

ClinVar aggregate classification (germline): Uncertain significance (1 of 4 stars; one submission).

Conditions:
Joubert syndrome. Also called: JOUBERT-BOLTSHAUSER SYNDROME; Familial aplasia of the vermis. Identifiers: Orphanet 475, MedGen C5979921, MONDO:0018772.
Meckel-Gruber syndrome. Also called: Dysencephalia splachnocystica; DYSENCEPHALIA SPLANCHNOCYSTICA; GRUBER SYNDROME. Identifiers: Orphanet 564, MedGen C0265215, MONDO:0018921.

Allele frequency attached by ClinVar (database versions not stated): TOPMed 0.00002.
gnomAD v4.1: 8 of 1,608,600 alleles (0.0005%); highest among the groups gnomAD compares: African/African-American, 0.0053%; no homozygotes.

Submission:

Labcorp Genetics (formerly Invitae), Labcorp
Classification: Uncertain significance for Joubert syndrome; Meckel-Gruber syndrome. Last evaluated: 2022-07-05. Review status: criteria provided, single submitter. Criteria: Invitae Variant Classification Sherloc (09022015). Collection method: clinical testing. Allele origin: germline.
Comment: This sequence change replaces glutamine, which is neutral and polar, with arginine, which is basic and polar, at codon 632 of the CC2D2A protein (p.Gln632Arg). This variant is not present in population databases (gnomAD no frequency). This variant has not been reported in the literature in individuals affected with CC2D2A-related conditions. ClinVar contains an entry for this variant (Variation ID: 1007255). Advanced modeling of protein sequence and biophysical properties (such as structural, functional, and spatial information, amino acid conservation, physicochemical variation, residue mobility, and thermodynamic stability) performed at Invitae indicates that this missense variant is not expected to disrupt CC2D2A protein function. In summary, the available evidence is currently insufficient to determine the role of this variant in disease. Therefore, it has been classified as a Variant of Uncertain Significance.